The following is an entry in ClinVar:

ClinVar aggregate classification (germline): Uncertain significance (1 of 4 stars; one submission).

Conditions:
Aortic aneurysm, familial thoracic 4 (AAT4). Also called: AORTIC ANEURYSM/AORTIC DISSECTION AND PATENT DUCTUS ARTERIOSUS. Identifiers: MedGen C1851504, MONDO:0007568, OMIM 132900.

Submission:

Labcorp Genetics (formerly Invitae), Labcorp
Classification: Uncertain significance for Aortic aneurysm, familial thoracic 4. Last evaluated: 2023-11-27. Review status: criteria provided, single submitter. Criteria: Invitae Variant Classification Sherloc (09022015). Collection method: clinical testing. Allele origin: germline.
Comment: This sequence change replaces arginine, which is basic and polar, with serine, which is neutral and polar, at codon 1176 of the MYH11 protein (p.Arg1176Ser). This variant is not present in population databases (gnomAD no frequency). This variant has not been reported in the literature in individuals affected with MYH11-related conditions. An algorithm developed to predict the effect of missense changes on protein structure and function (PolyPhen-2) suggests that this variant is likely to be disruptive. In summary, the available evidence is currently insufficient to determine the role of this variant in disease. Therefore, it has been classified as a Variant of Uncertain Significance.

NM_002474.3(MYH11):c.3507G>C (p.Arg1169Ser)

Gene: MYH11 (myosin heavy chain 11; minus strand). Cytogenetic location: 16p13.11.
Variant type: single nucleotide variant.
Coding change: c.3507G>C on transcript NM_002474.3 (MANE Select); coding-DNA position 3507, G replaced by C.
Protein change: p.Arg1169Ser; replaces arginine 1169 with serine.
Molecular consequence: missense variant.
Genome position (GRCh38, 1-based): chr16:15,732,708, C>G on the plus strand (G>C on the coding strand, the complement: MYH11 is on the minus strand). VCF-style: chr16-15732708-C-G. GRCh37 (hg19) VCF-style: chr16-15826565-C-G.
Other names: c.3507G>C, p.Arg1169Ser (NM_022844.3); c.3528G>C, p.Arg1176Ser (NM_001040113.2, NM_001040114.2); short protein forms R1169S, R1176S.
Identifiers: ClinVar variation 2699315 (VCV002699315.3), dbSNP rs1343340833, ClinGen allele CA394861279.